The following is an entry in ClinVar:

NM_006915.3(RP2):c.685_691del (p.Gln229fs)

Gene: RP2 (RP2 activator of ARL3 GTPase; plus strand). Cytogenetic location: Xp11.3.
Variant type: Deletion.
Coding change: c.685_691del on transcript NM_006915.3 (MANE Select); coding-DNA positions 685 to 691, 7 bases deleted (CAGAAGA; older notation c.685_691delCAGAAGA).
Protein change: p.Gln229fs; shifts the reading frame from glutamine 229.
Molecular consequence: frameshift variant.
Genome position (GRCh38, 1-based): chrX:46,854,058-46,854,064, CAGAAGA deleted; deleting any 7 consecutive bases within chrX:46,854,055-46,854,064 gives the same sequence; the c. name uses the placement nearest the transcript's 3' end. VCF-style (leftmost placement, unchanged base first): chrX-46854054-GAGACAGA-G. GRCh37 (hg19) VCF-style: chrX-46713489-GAGACAGA-G.
Other names: short protein forms Q229fs.
Identifiers: ClinVar variation 4277327 (VCV004277327.1).
Genomic context (GRCh38, chrX:46,854,054, plus strand): 5'-CAAAGCTGTTCGTGTTTCCACAGAAGCCAATAGAAGCATTGTTCCAATATCCCGGGGTCA[GAGACAGA>G]AGAGCAGCGATGAATCATGCTTAGTGGTATTATTTGCTGGTGATTACACTATTGCAAATG-3'

ClinVar aggregate classification (germline): Pathogenic (1 of 4 stars; one submission).

Conditions:
Retinal disorder. Also called: Retinopathy; Retinopathies; Retinal Diseases; Retinal disorders. Identifiers: MedGen C0035309, MONDO:0005283, HP:0000488.

Submission:

Genetics Laboratory, Great Ormond Street Hospital NHS Foundation Trust, North Thames Genomic Laboratory Hub
Classification: Pathogenic for Retinal disorders. Last evaluated: 2025-08-06. Review status: criteria provided, single submitter. Criteria: ACGS Best Practice Guidelines for Variant Classification in Rare Disease 2024 v1.2. Collection method: clinical testing. Allele origin: germline. Affected: yes.
Comment: PM2_moderate, PVS1_very-strong